The following is an entry in ClinVar:

ClinVar aggregate classification (germline): Benign/Likely benign. Review status: criteria provided, multiple submitters, no conflicts (2 of 4 stars). 3 submissions from 3 submitters: Benign (1); Likely benign (2). Last evaluated 2018-03-12.

Allele frequency attached by ClinVar (database versions not stated): 1000 Genomes Project 30x 0.00016; 1000 Genomes Project 0.00020; ExAC 0.00106; ESP Exome Variant Server 0.00108; gnomAD exomes 0.00108; TOPMed 0.00121; gnomAD 0.00133 and 0.00138.
gnomAD v4.1: 2,379 of 1,614,020 alleles (0.15%); highest among the groups gnomAD compares: Non-Finnish European, 0.18%; 2 homozygotes.

Submissions (3):

Labcorp Genetics (formerly Invitae), Labcorp
Classification: Likely benign. Last evaluated: 2018-03-12. Review status: criteria provided, single submitter. Criteria: Invitae Variant Classification Sherloc (09022015). Collection method: clinical testing. Allele origin: germline.

Women's Health and Genetics/Laboratory Corporation of America, LabCorp
Classification: Benign. Last evaluated: 2018-01-15. Review status: criteria provided, single submitter. Criteria: LabCorp Variant Classification Summary - May 2015. Collection method: clinical testing. Allele origin: germline.
Comment: Variant summary: The LIG3 c.471C>A (p.Ile157Ile) variant involves the alteration of a non-conserved nucleotide, resulting in a synonymous change. One in silico tool predicts a damaging outcome for this variant. 5/5 splice prediction tools predict no significant impact on normal splicing. ESE finder predicts that this variant may affect ESE sites at the locus. However, these predictions have yet to be confirmed by functional studies. This variant was found in 317/276846 control chromosomes (3 homozygotes) at a frequency of 0.001145, which is approximately 115 times the estimated maximal expected allele frequency of a pathogenic LIG3 variant (0.00001), suggesting this variant is likely a benign polymorphism. The variant of interest has not, to our knowledge, been reported in affected individuals via publications and/or reputable databases/clinical diagnostic laboratories; nor evaluated for functional impact by in vivo/vitro studies. Taken together, this variant is classified as benign.

Breakthrough Genomics
Classification: Likely benign. Review status: criteria provided, single submitter. Criteria: ACMG Guidelines, 2015. Collection method: not provided. Allele origin: germline. Inheritance: Autosomal recessive inheritance. Affected: yes.

NM_013975.4(LIG3):c.471C>A (p.Ile157=)

Gene: LIG3 (DNA ligase 3; plus strand). Cytogenetic location: 17q12.
Variant type: single nucleotide variant.
Coding change: c.471C>A on transcript NM_013975.4 (MANE Select); coding-DNA position 471, C replaced by A.
Protein change: p.Ile157=; no amino-acid change (isoleucine 157 retained).
Molecular consequence: synonymous variant.
Genome position (GRCh38, 1-based): chr17:34,983,476, C>A. VCF-style: chr17-34983476-C-A. GRCh37 (hg19) VCF-style: chr17-33310495-C-A.
Other names: c.471C>A, p.Ile157= (NM_002311.5).
Identifiers: ClinVar variation 632876 (VCV000632876.5), dbSNP rs61749869, ClinGen allele CA8498085.